The following is an entry in ClinVar:

ClinVar aggregate classification (germline): Pathogenic (1 of 4 stars; one submission).

Submission:

GeneDx
Classification: Pathogenic. Last evaluated: 2019-01-11. Review status: criteria provided, single submitter. Criteria: GeneDx Variant Classification (06012015). Collection method: clinical testing. Allele origin: germline. Affected: yes.
Comment: The c.763delC variant in the SIN3A gene has not been reported previously as a pathogenic variant nor as a benign variant, to our knowledge. The c.763delC variant causes a frameshift starting with codon Glutamine 255, changes this amino acid to an Asparagine residue, and creates a premature Stop codon at position 32 of the new reading frame, denoted p.Gln255AsnfsX32. This variant is predicted to cause loss of normal protein function either through protein truncation or nonsense-mediated mRNA decay. The c.763delC variant is not observed in large population cohorts (Lek et al., 2016). We interpret c.763delC as a pathogenic variant.

NM_001145358.2(SIN3A):c.763del (p.Gln255fs)

Gene: SIN3A (SIN3 transcription regulator family member A; minus strand). Cytogenetic location: 15q24.2.
Variant type: Deletion.
Coding change: c.763del on transcript NM_001145358.2 (MANE Select); coding-DNA position 763, one base deleted (C; older notation c.763delC).
Protein change: p.Gln255fs; shifts the reading frame from glutamine 255.
Molecular consequence: frameshift variant.
Genome position (GRCh38, 1-based): chr15:75,411,737, G deleted on the plus strand (C on the coding strand, the reverse complement: SIN3A is on the minus strand); the first of 3 consecutive G bases (chr15:75,411,737-75,411,739); deleting any one gives the same sequence. VCF-style (leftmost placement, unchanged base first): chr15-75411736-TG-T. GRCh37 (hg19) VCF-style: chr15-75704077-TG-T.
Other names: c.763del, p.Gln255fs (NM_001145357.2, NM_015477.3); short protein forms Q255fs.
Identifiers: ClinVar variation 817978 (VCV000817978.1), dbSNP rs1595907762, ClinGen allele CA915946078.